The following is an entry in ClinVar:

ClinVar aggregate classification (germline): Conflicting classifications of pathogenicity. Review status: criteria provided, conflicting classifications (1 of 4 stars). 4 submissions from 4 submitters: Pathogenic (1); Likely pathogenic (2); Uncertain significance (1). Last evaluated 2026-04-21.

Conditions:
Intellectual developmental disorder, X-linked, syndromic, Siderius type. Also called: Syndromic X-linked intellectual disability Siderius type. Identifiers: Orphanet 85287, MedGen C1846055, MONDO:0010286, OMIM 300263.

Allele frequency attached by ClinVar (database versions not stated): gnomAD 0.00001; gnomAD exomes 0.00002.
gnomAD v4.1: 10 of 1,195,796 alleles (0.00084%); highest among the groups gnomAD compares: Non-Finnish European, 0.0011%; no homozygotes.

Submissions (4):

Dasa
Classification: Pathogenic. Last evaluated: 2026-04-21. Review status: criteria provided, single submitter. Criteria: DASA Assertion Criteria. Collection method: clinical testing. Allele origin: germline.
Comment: NM_015107.3(PHF8):c.1731-1G>A introduces a premature termination codon predicted to result in loss of normal protein function. Loss-of-function is an established mechanism of disease for this gene. This variant has been reported in individuals with related phenotype (PMID: 33258288). The variant is present at low frequency in population datasets. Based on the available data, this variant is classified as pathogenic.

Laboratorio de Genetica e Diagnostico Molecular, Hospital Israelita Albert Einstein
Classification: Likely pathogenic for Intellectual developmental disorder, X-linked, syndromic, Siderius type. Last evaluated: 2025-05-05. Review status: criteria provided, single submitter. Criteria: ACMG Guidelines, 2015. Collection method: clinical testing. Allele origin: germline. Affected: yes.
Comment: ACMG classification criteria: PVS1 very strong, PM2 supporting

GeneDx
Classification: Likely pathogenic. Last evaluated: 2025-04-18. Review status: criteria provided, single submitter. Criteria: GeneDx Variant Classification Process June 2021. Collection method: clinical testing. Allele origin: germline. Affected: yes.
Comment: Canonical splice site variant predicted to result in a null allele in a gene for which loss of function is a known mechanism of disease; This variant is associated with the following publications: (PMID: 33258288)

Eurofins Ntd Llc (ga)
Classification: Uncertain significance. Last evaluated: 2014-05-27. Review status: criteria provided, single submitter. Criteria: EGL Classification Definitions 2015. Collection method: clinical testing. Allele origin: germline. Observed: 3 variant alleles, 1 heterozygote, 2 hemizygotes.

Literature cited by the submitters: PubMed 33258288 (cited by Dasa).

NM_015107.3(PHF8):c.1731-1G>A

Gene: PHF8 (PHD finger protein 8; minus strand). Cytogenetic location: Xp11.22.
Variant type: single nucleotide variant.
Coding change: c.1731-1G>A on transcript NM_015107.3 (MANE Select); the canonical splice acceptor site of the intron before coding-DNA position 1731, G replaced by A.
Molecular consequence: splice acceptor variant.
Genome position (GRCh38, 1-based): chrX:53,987,945, C>T on the plus strand (G>A on the coding strand, the complement: PHF8 is on the minus strand). VCF-style: chrX-53987945-C-T. GRCh37 (hg19) VCF-style: chrX-54014378-C-T.
Other names: c.1839-1G>A (NM_001184896.1); c.1428-1G>A (NM_001184897.2); c.1731-1G>A (NM_001184898.2).
Identifiers: ClinVar variation 194540 (VCV000194540.10), dbSNP rs797044651, ClinGen allele CA201221.